The following is an entry in ClinVar:

NM_000059.4(BRCA2):c.2287C>T (p.His763Tyr)

Gene: BRCA2 (BRCA2 DNA repair associated; plus strand). Cytogenetic location: 13q13.1.
Variant type: single nucleotide variant.
Coding change: c.2287C>T on transcript NM_000059.4 (MANE Select); coding-DNA position 2287, C replaced by T.
Protein change: p.His763Tyr; replaces histidine 763 with tyrosine.
Molecular consequence: missense variant.
Genome position (GRCh38, 1-based): chr13:32,336,642, C>T. VCF-style: chr13-32336642-C-T. GRCh37 (hg19) VCF-style: chr13-32910779-C-T.
Other names: c.2287C>T, p.His763Tyr (NM_001406719.1, NM_001406720.1); short protein forms H763Y.
Identifiers: ClinVar variation 1789029 (VCV001789029.4), dbSNP rs863224585, ClinGen allele CA387771178.

ClinVar aggregate classification (germline): Conflicting classifications of pathogenicity. Review status: criteria provided, conflicting classifications (1 of 4 stars). 2 submissions from 2 submitters: Uncertain significance (1); Likely benign (1). Last evaluated 2023-03-23.

Conditions:
Hereditary cancer-predisposing syndrome. Also called: Hereditary Cancer Syndrome; Hereditary neoplastic syndrome; Tumor predisposition; Neoplastic Syndromes, Hereditary. Identifiers: Orphanet 140162, MedGen C0027672, MeSH D009386, MONDO:0015356.

Submissions (2):

University of Washington Department of Laboratory Medicine, University of Washington
Classification: Likely benign for Hereditary cancer-predisposing syndrome. Last evaluated: 2023-03-23. Review status: criteria provided, single submitter. Criteria: Dines et al. (Genet Med. 2020). Collection method: curation. Allele origin: germline.
Comment: Missense variant in a coldspot region where missense variants are very unlikely to be pathogenic (PMID:31911673).

BRCA2 exon 11 coldspot. Reclassification based on statistical prior probability.

Ambry Genetics
Classification: Uncertain significance for Hereditary cancer-predisposing syndrome. Last evaluated: 2020-01-07. Review status: criteria provided, single submitter. Criteria: Ambry Variant Classification Scheme 2023. Collection method: clinical testing. Allele origin: germline.
Comment: The p.H763Y variant (also known as c.2287C>T), located in coding exon 10 of the BRCA2 gene, results from a C to T substitution at nucleotide position 2287. The histidine at codon 763 is replaced by tyrosine, an amino acid with similar properties. This amino acid position is not well conserved in available vertebrate species. In addition, this alteration is predicted to be tolerated by in silico analysis. Since supporting evidence is limited at this time, the clinical significance of this alteration remains unclear.